The following is an entry in ClinVar:

ClinVar aggregate classification (germline): Conflicting classifications of pathogenicity. Review status: criteria provided, conflicting classifications (1 of 4 stars). 6 submissions from 6 submitters: Pathogenic (1); Likely pathogenic (4); Uncertain significance (1). Last evaluated 2025-09-24.

Conditions:
BTD-related disorder. Also called: BTD-related condition.
Biotinidase deficiency. Also called: Biotin deficiency; BTD deficiency; Late-onset biotin-responsive multiple carboxylase deficiency. Identifiers: Orphanet 79241, MedGen C0220754, MONDO:0009665, OMIM 253260.

Allele frequency attached by ClinVar (database versions not stated): gnomAD 0.00001; gnomAD exomes 0.00001 and 0.00003; ExAC 0.00002.
gnomAD v4.1: 47 of 1,613,966 alleles (0.0029%); highest among the groups gnomAD compares: Non-Finnish European, 0.0039%; no homozygotes.

Submissions (6):

First Genomix Gene Laboratory, Genetic Diagnostics Department
Classification: Likely pathogenic for Biotinidase deficiency. Last evaluated: 2025-09-24. Review status: criteria provided, single submitter. Criteria: ACMG Guidelines, 2015. Collection method: clinical testing. Allele origin: germline. Inheritance: Autosomal recessive inheritance. Affected: no. Observed: 1 variant allele.

GeneDx
Classification: Likely pathogenic. Last evaluated: 2025-02-03. Review status: criteria provided, single submitter. Criteria: GeneDx Variant Classification Process June 2021. Collection method: clinical testing. Allele origin: germline. Affected: yes.
Comment: Not observed at significant frequency in large population cohorts (gnomAD); In silico analysis supports that this missense variant has a deleterious effect on protein structure/function; Also known as p.Pro127Leu (c.380C>T); This variant is associated with the following publications: (PMID: 26361991, 38299772)

Labcorp Genetics (formerly Invitae), Labcorp
Classification: Pathogenic for Biotinidase deficiency. Last evaluated: 2024-12-26. Review status: criteria provided, single submitter. Criteria: Invitae Variant Classification Sherloc (09022015). Collection method: clinical testing. Allele origin: germline.
Comment: This sequence change replaces proline, which is neutral and non-polar, with leucine, which is neutral and non-polar, at codon 127 of the BTD protein (p.Pro127Leu). This variant is present in population databases (rs575787457, gnomAD 0.004%). This missense change has been observed in individual(s) with BTD-related conditions (PMID: 26361991; internal data). In at least one individual the data is consistent with being in trans (on the opposite chromosome) from a pathogenic variant. ClinVar contains an entry for this variant (Variation ID: 1473153). Invitae Evidence Modeling of protein sequence and biophysical properties (such as structural, functional, and spatial information, amino acid conservation, physicochemical variation, residue mobility, and thermodynamic stability) indicates that this missense variant is expected to disrupt BTD protein function with a positive predictive value of 95%. For these reasons, this variant has been classified as Pathogenic.

Blueprint Genetics
Classification: Likely pathogenic for BTD-related disorders. Last evaluated: 2024-11-11. Review status: criteria provided, single submitter. Criteria: ACMG Guidelines, 2015. Collection method: clinical testing. Allele origin: germline. Affected: yes. Observed: 5 variant alleles.

Baylor Genetics
Classification: Likely pathogenic for Biotinidase deficiency. Last evaluated: 2024-03-10. Review status: criteria provided, single submitter. Criteria: ACMG Guidelines, 2015. Collection method: clinical testing. Allele origin: unknown.

Fulgent Genetics
Classification: Uncertain significance for Biotinidase deficiency. Last evaluated: 2021-08-25. Review status: criteria provided, single submitter. Criteria: ACMG Guidelines, 2015. Collection method: clinical testing. Allele origin: unknown.

Literature cited by the submitters: PubMed 26361991 (cited by Labcorp Genetics (formerly Invitae), Labcorp).

NM_001370658.1(BTD):c.320C>T (p.Pro107Leu)

Gene: BTD (biotinidase; plus strand). Cytogenetic location: 3p25.1.
Variant type: single nucleotide variant.
Coding change: c.320C>T on transcript NM_001370658.1 (MANE Select); coding-DNA position 320, C replaced by T.
Protein change: p.Pro107Leu; replaces proline 107 with leucine.
Molecular consequence: missense variant.
Genome position (GRCh38, 1-based): chr3:15,641,978, C>T. VCF-style: chr3-15641978-C-T. GRCh37 (hg19) VCF-style: chr3-15683485-C-T.
Other names: c.380C>T, p.Pro127Leu (NM_000060.4); c.320C>T, p.Pro107Leu (NM_001281723.4, NM_001281724.3, NM_001281725.3 and 36 more transcripts); c.383C>T, p.Pro128Leu (NM_001407381.1); short protein forms P107L, P127L, P128L.
Identifiers: ClinVar variation 1473153 (VCV001473153.14), dbSNP rs575787457, ClinGen allele CA2277301.